The following is an entry in ClinVar:

ClinVar aggregate classification (germline): Uncertain significance (1 of 4 stars; one submission).

Submission:

Labcorp Genetics (formerly Invitae), Labcorp
Classification: Uncertain significance. Last evaluated: 2019-07-03. Review status: criteria provided, single submitter. Criteria: Invitae Variant Classification Sherloc (09022015). Collection method: clinical testing. Allele origin: germline.
Comment: This sequence change replaces arginine with glycine at codon 1806 of the USP9X protein (p.Arg1806Gly). The arginine residue is highly conserved and there is a moderate physicochemical difference between arginine and glycine. In summary, the available evidence is currently insufficient to determine the role of this variant in disease. Therefore, it has been classified as a Variant of Uncertain Significance. Algorithms developed to predict the effect of missense changes on protein structure and function are either unavailable or do not agree on the potential impact of this missense change (SIFT: "Deleterious"; PolyPhen-2: "Probably Damaging"; Align-GVGD: "Class C0"). This variant has not been reported in the literature in individuals with USP9X-related conditions. This variant is not present in population databases (ExAC no frequency).

NM_001039591.3(USP9X):c.5416A>G (p.Arg1806Gly)

Gene: USP9X (ubiquitin specific peptidase 9 X-linked; plus strand). Cytogenetic location: Xp11.4.
Variant type: single nucleotide variant.
Coding change: c.5416A>G on transcript NM_001039591.3 (MANE Select); coding-DNA position 5416, A replaced by G.
Protein change: p.Arg1806Gly; replaces arginine 1806 with glycine.
Molecular consequence: missense variant.
Genome position (GRCh38, 1-based): chrX:41,215,983, A>G. VCF-style: chrX-41215983-A-G. GRCh37 (hg19) VCF-style: chrX-41075236-A-G.
Other names: c.5416A>G, p.Arg1806Gly (NM_001039590.3); short protein forms R1806G.
Identifiers: ClinVar variation 952128 (VCV000952128.9), dbSNP rs2063208917, ClinGen allele CA412790304.
Genomic context (GRCh38, chrX:41,215,983, plus strand): 5'-ATTAAAAAATTACCTCCTGTTCTTGCTATACAACTAAAGCGATTTGACTATGACTGGGAA[A>G]GAGAATGTGCAATCAAGTTCAATGATTATTTTGAATTTCCTCGAGAGCTGGACATGGAAC-3'
Protein context (NP_001034680.2, residues 1796-1816): QLKRFDYDWE[Arg1806Gly]ECAIKFNDYF